The following is an entry in ClinVar:

ClinVar aggregate classification (germline): Uncertain significance (0 of 4 stars; one submission).

Conditions:
ALMS1-related disorder. Also called: ALMS1-related condition.

Submission:

PreventionGenetics, part of Exact Sciences
Classification: Uncertain significance for ALMS1-related condition. Last evaluated: 2024-05-02. Review status: no assertion criteria provided. Collection method: clinical testing. Allele origin: germline.
Comment: The ALMS1 c.1945G>C variant is predicted to result in the amino acid substitution p.Ala649Pro. To our knowledge, this variant has not been reported in the literature or in a large population database, indicating this variant is rare. At this time, the clinical significance of this variant is uncertain due to the absence of conclusive functional and genetic evidence.

NM_001378454.1(ALMS1):c.1942G>C (p.Val648Leu)

Gene: ALMS1 (ALMS1 centrosome and basal body associated protein; plus strand). Cytogenetic location: 2p13.1.
Variant type: single nucleotide variant.
Coding change: c.1942G>C on transcript NM_001378454.1 (MANE Select); coding-DNA position 1942, G replaced by C.
Protein change: p.Val648Leu; replaces valine 648 with leucine.
Molecular consequence: missense variant.
Genome position (GRCh38, 1-based): chr2:73,448,469, G>C. VCF-style: chr2-73448469-G-C. GRCh37 (hg19) VCF-style: chr2-73675596-G-C.
Other names: c.1945G>C, p.Val649Leu (NM_015120.4); short protein forms V648L, V649L.
Identifiers: ClinVar variation 3346267 (VCV003346267.1).